The following is an entry in ClinVar:

NM_002693.3(POLG):c.3234C>T (p.Cys1078=)

Genes: POLG (DNA polymerase gamma, catalytic subunit; minus strand), POLGARF (POLG alternative reading frame; minus strand). Cytogenetic location: 15q26.1.
Variant type: single nucleotide variant.
Coding change: c.3234C>T on transcript NM_002693.3 (MANE Select); coding-DNA position 3234, C replaced by T.
Protein change: p.Cys1078=; no amino-acid change (cysteine 1078 retained).
Molecular consequence: synonymous variant.
Genome position (GRCh38, 1-based): chr15:89,318,970, G>A on the plus strand (C>T on the coding strand, the complement: POLG is on the minus strand). VCF-style: chr15-89318970-G-A. GRCh37 (hg19) VCF-style: chr15-89862201-G-A.
Other names: c.3234C>T, p.Cys1078= (NM_001126131.2).
Identifiers: ClinVar variation 381888 (VCV000381888.1), dbSNP rs749440761, ClinGen allele CA7724202.

ClinVar aggregate classification (germline): Likely benign (1 of 4 stars; one submission).

Allele frequency attached by ClinVar (database versions not stated): gnomAD exomes below 0.00001; ExAC 0.00001.
gnomAD v4.1: 1 of 1,614,132 alleles (0.000062%); highest among the groups gnomAD compares: Non-Finnish European, 0.000085%; no homozygotes.

Submission:

GeneDx
Classification: Likely benign. Last evaluated: 2015-12-01. Review status: criteria provided, single submitter. Criteria: GeneDx Variant Classification (06012015). Collection method: clinical testing. Allele origin: germline. Affected: yes.
Comment: This variant is considered likely benign or benign based on one or more of the following criteria: it is a conservative change, it occurs at a poorly conserved position in the protein, it is predicted to be benign by multiple in silico algorithms, and/or has population frequency not consistent with disease.